The following is an entry in ClinVar:

NM_001184.4(ATR):c.5267T>C (p.Val1756Ala)

Gene: ATR (ATR checkpoint kinase; minus strand). Cytogenetic location: 3q23.
Variant type: single nucleotide variant.
Coding change: c.5267T>C on transcript NM_001184.4 (MANE Select); coding-DNA position 5267, T replaced by C.
Protein change: p.Val1756Ala; replaces valine 1756 with alanine.
Molecular consequence: missense variant.
Genome position (GRCh38, 1-based): chr3:142,503,383, A>G on the plus strand (T>C on the coding strand, the complement: ATR is on the minus strand). VCF-style: chr3-142503383-A-G. GRCh37 (hg19) VCF-style: chr3-142222225-A-G.
Other names: c.5075T>C, p.Val1692Ala (NM_001354579.2); short protein forms V1756A, V1692A.
Identifiers: ClinVar variation 1746472 (VCV001746472.6), dbSNP rs2473182486, ClinGen allele CA354818331.

ClinVar aggregate classification (germline): Uncertain significance. Review status: criteria provided, multiple submitters, no conflicts (2 of 4 stars). 2 submissions from 2 submitters: Uncertain significance (2). Last evaluated 2023-05-24.

Conditions:
Inborn genetic diseases. Identifiers: MedGen C0950123, MeSH D030342.

gnomAD v4.1: 1 of 1,607,056 alleles (0.000062%); no homozygotes.

Submissions (2):

Labcorp Genetics (formerly Invitae), Labcorp
Classification: Uncertain significance. Last evaluated: 2023-05-24. Review status: criteria provided, single submitter. Criteria: Invitae Variant Classification Sherloc (09022015). Collection method: clinical testing. Allele origin: germline.
Comment: This sequence change replaces valine, which is neutral and non-polar, with alanine, which is neutral and non-polar, at codon 1756 of the ATR protein (p.Val1756Ala). This variant is not present in population databases (gnomAD no frequency). This variant has not been reported in the literature in individuals affected with ATR-related conditions. ClinVar contains an entry for this variant (Variation ID: 1746472). An algorithm developed to predict the effect of missense changes on protein structure and function (PolyPhen-2) suggests that this variant is likely to be disruptive. Algorithms developed to predict the effect of sequence changes on RNA splicing suggest that this variant may create or strengthen a splice site. In summary, the available evidence is currently insufficient to determine the role of this variant in disease. Therefore, it has been classified as a Variant of Uncertain Significance.

Ambry Genetics
Classification: Uncertain significance for Inborn genetic diseases. Last evaluated: 2022-04-19. Review status: criteria provided, single submitter. Criteria: Ambry Variant Classification Scheme 2023. Collection method: clinical testing. Allele origin: germline.
Comment: The p.V1756A variant (also known as c.5267T>C), located in coding exon 30 of the ATR gene, results from a T to C substitution at nucleotide position 5267. The valine at codon 1756 is replaced by alanine, an amino acid with similar properties. This amino acid position is conserved. In addition, the in silico prediction for this alteration is inconclusive. Since supporting evidence is limited at this time, the clinical significance of this alteration remains unclear.